The following is an entry in ClinVar:

ClinVar aggregate classification (germline): Likely pathogenic. Review status: criteria provided, multiple submitters, no conflicts (2 of 4 stars). 2 submissions from 2 submitters: Likely pathogenic (2). Last evaluated 2025-10-06.

Conditions:
Primary ciliary dyskinesia. Also called: Ciliary dyskinesia. Identifiers: Orphanet 244, MedGen C0008780, MONDO:0016575, HP:0012265.

Allele frequency attached by ClinVar (database versions not stated): gnomAD exomes below 0.00001; TOPMed below 0.00001; gnomAD 0.00001.
gnomAD v4.1: 3 of 1,613,734 alleles (0.00019%); highest among the groups gnomAD compares: Non-Finnish European, 0.00017%; no homozygotes.

Submissions (2):

Natera, Inc.
Classification: Likely pathogenic for Primary ciliary dyskinesia. Last evaluated: 2025-10-06. Review status: criteria provided, single submitter. Criteria: Natera Variant Classification Schema (03/2026). Collection method: clinical testing. Allele origin: germline.
Comment: The c.2744-1G>T variant in DNAH5 is a canonical splice acceptor site variant predicted to affect pre-mRNA splicing, which may result in an abnormal transcript and altered protein product. This variant may result in a truncated or dysfunctional protein product. This variant is rare in the general population with a frequency below the threshold expected for the associated phenotype(s). This variant has been observed in one or more individuals affected with the associated recessive disease, as either homozygous or compound heterozygous with a second variant (PMID: 33760720). Given the available evidence, this variant is classified as Likely Pathogenic.

Labcorp Genetics (formerly Invitae), Labcorp
Classification: Likely pathogenic for Primary ciliary dyskinesia. Last evaluated: 2020-01-06. Review status: criteria provided, single submitter. Criteria: Invitae Variant Classification Sherloc (09022015). Collection method: clinical testing. Allele origin: germline.
Comment: In summary, the currently available evidence indicates that the variant is pathogenic, but additional data are needed to prove that conclusively. Therefore, this variant has been classified as Likely Pathogenic. Donor and acceptor splice site variants typically lead to a loss of protein function (PMID: 16199547), and loss-of-function variants in DNAH5 are known to be pathogenic (PMID: 11788826, 16627867). Algorithms developed to predict the effect of sequence changes on RNA splicing suggest that this variant may disrupt the consensus splice site, but this prediction has not been confirmed by published transcriptional studies. This variant has not been reported in the literature in individuals with DNAH5-related conditions. This variant is not present in population databases (ExAC no frequency). This sequence change affects an acceptor splice site in intron 18 of the DNAH5 gene. It is expected to disrupt RNA splicing and likely results in an absent or disrupted protein product.

Literature cited by the submitters: PubMed 33760720 (cited by Natera, Inc.); PubMed 16199547 (cited by Labcorp Genetics (formerly Invitae), Labcorp); PubMed 11788826 (cited by Labcorp Genetics (formerly Invitae), Labcorp); PubMed 16627867 (cited by Labcorp Genetics (formerly Invitae), Labcorp).

NM_001369.3(DNAH5):c.2744-1G>T

Genes: DNAH5 (dynein axonemal heavy chain 5; minus strand), DNAH5-AS1 (DNAH5 antisense RNA 1; plus strand). Cytogenetic location: 5p15.2.
Variant type: single nucleotide variant.
Coding change: c.2744-1G>T on transcript NM_001369.3 (MANE Select); the canonical splice acceptor site of the intron before coding-DNA position 2744, G replaced by T.
Molecular consequence: splice acceptor variant.
Genome position (GRCh38, 1-based): chr5:13,885,229, C>A on the plus strand (G>T on the coding strand, the complement: DNAH5 is on the minus strand). VCF-style: chr5-13885229-C-A. GRCh37 (hg19) VCF-style: chr5-13885338-C-A.
Identifiers: ClinVar variation 853580 (VCV000853580.18), dbSNP rs1772232595, ClinGen allele CA359195926.